The following is an entry in ClinVar:

NM_003664.5(AP3B1):c.785A>G (p.Glu262Gly)

Gene: AP3B1 (adaptor related protein complex 3 subunit beta 1; minus strand). Cytogenetic location: 5q14.1.
Variant type: single nucleotide variant.
Coding change: c.785A>G on transcript NM_003664.5 (MANE Select); coding-DNA position 785, A replaced by G.
Protein change: p.Glu262Gly; replaces glutamic acid 262 with glycine.
Molecular consequence: missense variant.
Genome position (GRCh38, 1-based): chr5:78,216,056, T>C on the plus strand (A>G on the coding strand, the complement: AP3B1 is on the minus strand). VCF-style: chr5-78216056-T-C. GRCh37 (hg19) VCF-style: chr5-77511880-T-C.
Other names: c.638A>G, p.Glu213Gly (NM_001271769.2); short protein forms E213G, E262G.
Identifiers: ClinVar variation 855459 (VCV000855459.7), dbSNP rs756321242, ClinGen allele CA3317298.

ClinVar aggregate classification (germline): Uncertain significance (1 of 4 stars; one submission).

Conditions:
Hermansky-Pudlak syndrome 2 (HPS2). Also called: Platelet defects and oculocutaneous albinism. Identifiers: Orphanet 183678, Orphanet 79430, MedGen C1842362, MONDO:0011997, OMIM 608233.

Allele frequency attached by ClinVar (database versions not stated): TOPMed below 0.00001; gnomAD exomes 0.00003; ExAC 0.00004.
gnomAD v4.1: 18 of 1,613,938 alleles (0.0011%); highest among the groups gnomAD compares: Non-Finnish European, 0.0014%; no homozygotes.

Submission:

Labcorp Genetics (formerly Invitae), Labcorp
Classification: Uncertain significance for Hermansky-Pudlak syndrome 2. Last evaluated: 2022-07-29. Review status: criteria provided, single submitter. Criteria: Invitae Variant Classification Sherloc (09022015). Collection method: clinical testing. Allele origin: germline.
Comment: This sequence change replaces glutamic acid, which is acidic and polar, with glycine, which is neutral and non-polar, at codon 262 of the AP3B1 protein (p.Glu262Gly). This variant is present in population databases (rs756321242, gnomAD 0.006%). This variant has not been reported in the literature in individuals affected with AP3B1-related conditions. ClinVar contains an entry for this variant (Variation ID: 855459). Algorithms developed to predict the effect of missense changes on protein structure and function (SIFT, PolyPhen-2, Align-GVGD) all suggest that this variant is likely to be tolerated. In summary, the available evidence is currently insufficient to determine the role of this variant in disease. Therefore, it has been classified as a Variant of Uncertain Significance.